The following is an entry in ClinVar:

ClinVar aggregate classification (germline): Uncertain significance (1 of 4 stars; one submission).

Submission:

Labcorp Genetics (formerly Invitae), Labcorp
Classification: Uncertain significance. Last evaluated: 2022-08-10. Review status: criteria provided, single submitter. Criteria: Invitae Variant Classification Sherloc (09022015). Collection method: clinical testing. Allele origin: germline.
Comment: In summary, the available evidence is currently insufficient to determine the role of this variant in disease. Therefore, it has been classified as a Variant of Uncertain Significance. This variant has not been reported in the literature in individuals affected with ERCC6-related conditions. This variant results in a copy number gain of the genomic region encompassing exon(s) 2-3 of the ERCC6 gene. This region includes the initiator codon of the gene. This copy number gain extends beyond the assayed region for this gene and therefore may encompass additional genes. As the precise location of this event is unknown, it may be in tandem or it may be located elsewhere in the genome.

NC_000010.10:g.(?_50738746)_(50741010_?)dup

Gene: ERCC6 (ERCC excision repair 6, chromatin remodeling factor; minus strand). Cytogenetic location: 10q11.23.
Variant type: Duplication.
Identifiers: ClinVar variation 2422384 (VCV002422384.2).